The following is an entry in ClinVar:

ClinVar aggregate classification (germline): Likely benign (1 of 4 stars; one submission).

Allele frequency attached by ClinVar (database versions not stated): gnomAD exomes 0.00001.
gnomAD v4.1: 4 of 1,613,786 alleles (0.00025%); highest among the groups gnomAD compares: East Asian, 0.0022%; no homozygotes.

Submission:

GeneDx
Classification: Likely benign. Last evaluated: 2017-03-20. Review status: criteria provided, single submitter. Criteria: GeneDx Variant Classification (06012015). Collection method: clinical testing. Allele origin: germline. Affected: yes.
Comment: This variant is considered likely benign or benign based on one or more of the following criteria: it is a conservative change, it occurs at a poorly conserved position in the protein, it is predicted to be benign by multiple in silico algorithms, and/or has population frequency not consistent with disease.

NM_014795.4(ZEB2):c.3452T>C (p.Leu1151Pro)

Gene: ZEB2 (zinc finger E-box binding homeobox 2; minus strand). Cytogenetic location: 2q22.3.
Variant type: single nucleotide variant.
Coding change: c.3452T>C on transcript NM_014795.4 (MANE Select); coding-DNA position 3452, T replaced by C.
Protein change: p.Leu1151Pro; replaces leucine 1151 with proline.
Molecular consequence: missense variant.
Genome position (GRCh38, 1-based): chr2:144,389,644, A>G on the plus strand (T>C on the coding strand, the complement: ZEB2 is on the minus strand). VCF-style: chr2-144389644-A-G. GRCh37 (hg19) VCF-style: chr2-145147211-A-G.
Other names: c.3380T>C, p.Leu1127Pro (NM_001171653.2); short protein forms L1151P, L1127P.
Identifiers: ClinVar variation 507959 (VCV000507959.1), dbSNP rs1553960747, ClinGen allele CA348699271.